The following is an entry in ClinVar:

NM_033198.4(PIGS):c.1414G>A (p.Val472Ile)

Gene: PIGS (phosphatidylinositol glycan anchor biosynthesis class S; minus strand). Cytogenetic location: 17q11.2.
Variant type: single nucleotide variant.
Coding change: c.1414G>A on transcript NM_033198.4 (MANE Select); coding-DNA position 1414, G replaced by A.
Protein change: p.Val472Ile; replaces valine 472 with isoleucine.
Molecular consequence: missense variant.
Genome position (GRCh38, 1-based): chr17:28,554,474, C>T on the plus strand (G>A on the coding strand, the complement: PIGS is on the minus strand). VCF-style: chr17-28554474-C-T. GRCh37 (hg19) VCF-style: chr17-26881492-C-T.
Other names: p.Val472Ile; c.1414G>A (NM_033198.3); short protein forms V472I.
Identifiers: ClinVar variation 2570980 (VCV002570980.30), dbSNP rs34489987, ClinGen allele CA8459982.

ClinVar aggregate classification (germline): Benign/Likely benign. Review status: criteria provided, multiple submitters, no conflicts (2 of 4 stars). 4 submissions from 4 submitters: Benign (1); Likely benign (2). 1 of the submissions does not count toward it. Last evaluated 2026-08-01.

Conditions:
PIGS-related disorder. Also called: PIGS-related condition.

Allele frequency attached by ClinVar (database versions not stated): 1000 Genomes Project 0.00080; 1000 Genomes Project 30x 0.00109; ExAC 0.00187; gnomAD 0.00209; TOPMed 0.00235; ESP Exome Variant Server 0.00284; gnomAD exomes 0.00327.

Submissions (4):

CeGaT Center for Human Genetics Tuebingen
Classification: Likely benign. Last evaluated: 2026-08-01. Review status: criteria provided, single submitter. Criteria: CeGaT Center For Human Genetics Tuebingen Variant Classification Criteria Version 2. Collection method: clinical testing. Allele origin: germline. Affected: yes. Observed: 21 variant alleles.
Comment: PIGS: BP4, BS2

Mayo Clinic Laboratories, Mayo Clinic
Classification: Benign. Last evaluated: 2025-02-03. Review status: criteria provided, single submitter. Criteria: ACMG Guidelines, 2015. Collection method: clinical testing. Allele origin: germline. Observed: 4 variant alleles.
Comment: BS1, BS2, BP4_moderate

Blueprint Genetics
Classification: Likely benign. Last evaluated: 2024-11-26. Review status: criteria provided, single submitter. Criteria: ACMG Guidelines, 2015. Collection method: clinical testing. Allele origin: germline.

PreventionGenetics, part of Exact Sciences
Classification: Likely benign for PIGS-related condition. Last evaluated: 2022-01-31. Review status: no assertion criteria provided. Collection method: clinical testing. Allele origin: germline. Not counted in ClinVar's aggregate classification.
Comment: This variant is classified as likely benign based on ACMG/AMP sequence variant interpretation guidelines (Richards et al. 2015 PMID: 25741868, with internal and published modifications).